The following is an entry in ClinVar:

ClinVar aggregate classification (germline): Uncertain significance (1 of 4 stars; one submission).

Submission:

Dasa
Classification: Uncertain significance. Last evaluated: 2025-08-06. Review status: criteria provided, single submitter. Criteria: DASA Assertion Criteria. Collection method: clinical testing. Allele origin: germline.
Comment: NM_004551.3(NDUFS3):c.133+8T>A is a splice-region variant predicted to affect normal RNA splicing. This variant is absent from population databases. Computational prediction algorithms are consistent with a deleterious effect. The currently available literature and clinical evidence are not sufficient to establish a definitive association between this variant and the reported condition. Therefore, this variant is classified as a variant of uncertain significance.

NM_004551.3(NDUFS3):c.133+8T>A

Gene: NDUFS3 (NADH:ubiquinone oxidoreductase core subunit S3; plus strand). Cytogenetic location: 11p11.2.
Variant type: single nucleotide variant.
Coding change: c.133+8T>A on transcript NM_004551.3 (MANE Select); 8 bases into the intron after coding-DNA position 133, T replaced by A.
Molecular consequence: intron variant.
Genome position (GRCh38, 1-based): chr11:47,579,342, T>A. VCF-style: chr11-47579342-T-A. GRCh37 (hg19) VCF-style: chr11-47600894-T-A.
Identifiers: ClinVar variation 4885674 (VCV004885674.2).